The following is an entry in ClinVar:

ClinVar aggregate classification (germline): Uncertain significance (1 of 4 stars; one submission).

Conditions:
Cortical dysplasia-focal epilepsy syndrome (PTHSL1). Also called: Pitt-Hopkins-like syndrome 1. Identifiers: Orphanet 163681, Orphanet 221150, MedGen C2750246, MONDO:0012400, OMIM 610042.

Allele frequency attached by ClinVar (database versions not stated): ExAC 0.00001; gnomAD exomes 0.00001.
gnomAD v4.1: 6 of 1,614,068 alleles (0.00037%); highest among the groups gnomAD compares: Admixed American, 0.0033%; no homozygotes.

Submission:

Labcorp Genetics (formerly Invitae), Labcorp
Classification: Uncertain significance for Cortical dysplasia-focal epilepsy syndrome. Last evaluated: 2022-07-26. Review status: criteria provided, single submitter. Criteria: Invitae Variant Classification Sherloc (09022015). Collection method: clinical testing. Allele origin: germline.
Comment: This sequence change replaces serine, which is neutral and polar, with phenylalanine, which is neutral and non-polar, at codon 1222 of the CNTNAP2 protein (p.Ser1222Phe). This variant is present in population databases (rs781709263, gnomAD 0.006%). This variant has not been reported in the literature in individuals affected with CNTNAP2-related conditions. ClinVar contains an entry for this variant (Variation ID: 944697). Algorithms developed to predict the effect of missense changes on protein structure and function are either unavailable or do not agree on the potential impact of this missense change (SIFT: "Deleterious"; PolyPhen-2: "Benign"; Align-GVGD: "Class C15"). In summary, the available evidence is currently insufficient to determine the role of this variant in disease. Therefore, it has been classified as a Variant of Uncertain Significance.

NM_014141.6(CNTNAP2):c.3665C>T (p.Ser1222Phe)

Gene: CNTNAP2 (contactin associated protein 2; plus strand). Cytogenetic location: 7q36.1.
Variant type: single nucleotide variant.
Coding change: c.3665C>T on transcript NM_014141.6 (MANE Select); coding-DNA position 3665, C replaced by T.
Protein change: p.Ser1222Phe; replaces serine 1222 with phenylalanine.
Molecular consequence: missense variant.
Genome position (GRCh38, 1-based): chr7:148,383,838, C>T. VCF-style: chr7-148383838-C-T. GRCh37 (hg19) VCF-style: chr7-148080930-C-T.
Other names: short protein forms S1222F.
Identifiers: ClinVar variation 944697 (VCV000944697.6), dbSNP rs781709263, ClinGen allele CA4546722.
Genomic context (GRCh38, chr7:148,383,838, plus strand): 5'-ACGTCCACATCCAGGGCGAGCTGGTGGAGTCCAACTGCGGGGCCTCGCCGCTGACCCTCT[C>T]CCCCATGTCGTCCGCCACCGACCCCTGGCACCTGGATCACCTGGATTCAGGTAAAGTCTT-3'
Protein context (NP_054860.1, residues 1212-1232): SNCGASPLTL[Ser1222Phe]PMSSATDPWH